The following is an entry in ClinVar:

NM_004974.4(KCNA2):c.20A>T (p.Asp7Val)

Gene: KCNA2 (potassium voltage-gated channel subfamily A member 2; minus strand). Cytogenetic location: 1p13.3.
Variant type: single nucleotide variant.
Coding change: c.20A>T on transcript NM_004974.4 (MANE Select); coding-DNA position 20, A replaced by T.
Protein change: p.Asp7Val; replaces aspartic acid 7 with valine.
Molecular consequence: missense variant.
Genome position (GRCh38, 1-based): chr1:110,604,763, T>A on the plus strand (A>T on the coding strand, the complement: KCNA2 is on the minus strand). VCF-style: chr1-110604763-T-A. GRCh37 (hg19) VCF-style: chr1-111147385-T-A.
Other names: c.20A>T, p.Asp7Val (NM_001204269.2); short protein forms D7V.
Identifiers: ClinVar variation 3250444 (VCV003250444.1), dbSNP rs746657035.

ClinVar aggregate classification (germline): Uncertain significance (1 of 4 stars; one submission).

Conditions:
Developmental and epileptic encephalopathy, 32 (DEE32). Also called: Epileptic encephalopathy, early infantile, 32. Identifiers: Orphanet 442835, MedGen C4225350, MONDO:0014607, OMIM 616366.

Allele frequency attached by ClinVar (database versions not stated): gnomAD 0.00001; gnomAD exomes 0.00001; ExAC 0.00002.
gnomAD v4.1: 7 of 1,613,150 alleles (0.00043%); highest among the groups gnomAD compares: South Asian, 0.0077%; no homozygotes.

Submission:

Neuberg Centre For Genomic Medicine, NCGM
Classification: Uncertain significance for Developmental and epileptic encephalopathy, 32. Review status: criteria provided, single submitter. Criteria: ACMG Guidelines, 2015. Collection method: clinical testing. Allele origin: germline. Inheritance: Autosomal dominant inheritance. Affected: yes.
Comment: The observed missense c.20A>T(p.Asp7Val) variant in KCNA2 gene has not been reported previously as a pathogenic variant nor as a benign variant, to our knowledge. This variant is reported with the allele frequency of 0.0008% in the gnomAD Exomes. The amino acid Asp at position 7 is changed to a Val changing protein sequence and it might alter its composition and physico-chemical properties. The amino acid change p.Asp7Val in KCNA2 is predicted as conserved by GERP++ and PhyloP across 100 vertebrates. For these reasons, this variant has been classified as Uncertain Significance.